The following is an entry in ClinVar:

NM_004333.6(BRAF):c.1172A>T (p.Asp391Val)

Gene: BRAF (B-Raf proto-oncogene, serine/threonine kinase; minus strand). Cytogenetic location: 7q34.
Variant type: single nucleotide variant.
Coding change: c.1172A>T on transcript NM_004333.6 (MANE Select); coding-DNA position 1172, A replaced by T.
Protein change: p.Asp391Val; replaces aspartic acid 391 with valine.
Molecular consequence: missense variant. On other transcripts: intron variant (1).
Genome position (GRCh38, 1-based): chr7:140,787,553, T>A on the plus strand (A>T on the coding strand, the complement: BRAF is on the minus strand). VCF-style: chr7-140787553-T-A. GRCh37 (hg19) VCF-style: chr7-140487353-T-A.
Other names: c.1172A>T, p.Asp391Val (NM_001354609.2, NM_001374244.1, NM_001374258.1 and 3 more transcripts); c.1181A>T, p.Asp394Val (NM_001378467.1); c.1070A>T, p.Asp357Val (NM_001378470.1); c.1016A>T, p.Asp339Val (NM_001378472.1, NM_001378473.1); c.908A>T, p.Asp303Val (NM_001378475.1); c.1141-4470A>T (NM_001378471.1); short protein forms D357V, D391V, D394V, D303V, D339V.
Identifiers: ClinVar variation 3695559 (VCV003695559.2).

ClinVar aggregate classification (germline): Uncertain significance (1 of 4 stars; one submission).

Conditions:
RASopathy. Also called: Noonan spectrum disorder; rasopathies. Identifiers: Orphanet 536391, MedGen C5555857, MONDO:0021060.

Submission:

Labcorp Genetics (formerly Invitae), Labcorp
Classification: Uncertain significance for RASopathy. Last evaluated: 2024-10-17. Review status: criteria provided, single submitter. Criteria: Invitae Variant Classification Sherloc (09022015). Collection method: clinical testing. Allele origin: germline.
Comment: This sequence change replaces aspartic acid, which is acidic and polar, with valine, which is neutral and non-polar, at codon 391 of the BRAF protein (p.Asp391Val). This variant is not present in population databases (gnomAD no frequency). This variant has not been reported in the literature in individuals affected with BRAF-related conditions. Invitae Evidence Modeling of protein sequence and biophysical properties (such as structural, functional, and spatial information, amino acid conservation, physicochemical variation, residue mobility, and thermodynamic stability) indicates that this missense variant is not expected to disrupt BRAF protein function with a negative predictive value of 80%. In summary, the available evidence is currently insufficient to determine the role of this variant in disease. Therefore, it has been classified as a Variant of Uncertain Significance.